The following is an entry in ClinVar:

NM_004064.5(CDKN1B):c.157del (p.Glu53fs)

Gene: CDKN1B (cyclin dependent kinase inhibitor 1B; plus strand). Cytogenetic location: 12p13.1.
Variant type: Deletion.
Coding change: c.157del on transcript NM_004064.5 (MANE Select); coding-DNA position 157, one base deleted (G; older notation c.157delG).
Protein change: p.Glu53fs; shifts the reading frame from glutamic acid 53.
Molecular consequence: frameshift variant.
Genome position (GRCh38, 1-based): chr12:12,717,996, G deleted; the last of 2 consecutive G bases (chr12:12,717,995-12,717,996); deleting either gives the same sequence. VCF-style (leftmost placement, unchanged base first): chr12-12717994-TG-T. GRCh37 (hg19) VCF-style: chr12-12870928-TG-T.
Other names: short protein forms E53fs.
Identifiers: ClinVar variation 4826641 (VCV004826641.1).
Genomic context (GRCh38, chr12:12,717,994, plus strand): 5'-TCTTCGGCCCGGTGGACCACGAAGAGTTAACCCGGGACTTGGAGAAGCACTGCAGAGACA[TG>T]GAAGAGGCGAGCCAGCGCAAGTGGAATTTCGATTTTCAGAATCACAAACCCCTAGAGGGC-3'

ClinVar aggregate classification (germline): Pathogenic (1 of 4 stars; one submission).

Conditions:
Hereditary cancer-predisposing syndrome. Also called: Neoplastic Syndromes, Hereditary; Tumor predisposition; Hereditary Cancer Syndrome; Hereditary neoplastic syndrome. Identifiers: Orphanet 140162, MedGen C0027672, MeSH D009386, MONDO:0015356.

Submission:

Ambry Genetics
Classification: Pathogenic for Hereditary cancer-predisposing syndrome. Last evaluated: 2026-03-04. Review status: criteria provided, single submitter. Criteria: Ambry Variant Classification Scheme 2023. Collection method: clinical testing. Allele origin: germline.
Comment: The c.157delG pathogenic mutation, located in coding exon 1 of the CDKN1B gene, results from a deletion of one nucleotide at nucleotide position 157, causing a translational frameshift with a predicted alternate stop codon (p.E53Kfs*18). This alteration is expected to result in loss of function by premature protein truncation or nonsense-mediated mRNA decay. This variant is considered to be rare based on population cohorts in the Genome Aggregation Database (gnomAD). As such, this alteration is interpreted as a disease-causing mutation.